The following is an entry in ClinVar:

NM_153365.3(TAPT1):c.1161G>C (p.Gln387His)

Gene: TAPT1 (transmembrane anterior posterior transformation 1; minus strand). Cytogenetic location: 4p15.32.
Variant type: single nucleotide variant.
Coding change: c.1161G>C on transcript NM_153365.3 (MANE Select); coding-DNA position 1161, G replaced by C.
Protein change: p.Gln387His; replaces glutamine 387 with histidine.
Molecular consequence: missense variant.
Genome position (GRCh38, 1-based): chr4:16,174,676, C>G on the plus strand (G>C on the coding strand, the complement: TAPT1 is on the minus strand). VCF-style: chr4-16174676-C-G. GRCh37 (hg19) VCF-style: chr4-16176299-C-G.
Other names: short protein forms Q387H.
Identifiers: ClinVar variation 1525596 (VCV001525596.5), dbSNP rs762345005, ClinGen allele CA2867367.
Genomic context (GRCh38, chr4:16,174,676, plus strand): 5'-AATTTCAGACTATGCCTTTGTTAATTTCAGACTACGCCCTTGATAAATGCTCACATTTTT[C>G]TGTCGGCTGCTAACAAGGTCAAAAGCAAGACTGGCTCTATATTCACTGTAGACCTAAAAA-3'
Protein context (NP_699196.2, residues 377-397): SLAFDLVSSR[Gln387His]KNAYTDYSDS

ClinVar aggregate classification (germline): Uncertain significance (1 of 4 stars; one submission).

Allele frequency attached by ClinVar (database versions not stated): TOPMed 0.00001; gnomAD 0.00003; gnomAD exomes 0.00011 and 0.00019; ExAC 0.00047.
gnomAD v4.1: 156 of 1,591,536 alleles (0.0098%); highest among the groups gnomAD compares: South Asian, 0.17%; 3 homozygotes.

Submission:

Labcorp Genetics (formerly Invitae), Labcorp
Classification: Uncertain significance. Last evaluated: 2024-08-05. Review status: criteria provided, single submitter. Criteria: Invitae Variant Classification Sherloc (09022015). Collection method: clinical testing. Allele origin: germline.
Comment: This sequence change replaces glutamine, which is neutral and polar, with histidine, which is basic and polar, at codon 387 of the TAPT1 protein (p.Gln387His). This variant is present in population databases (rs762345005, gnomAD 0.2%). This variant has not been reported in the literature in individuals affected with TAPT1-related conditions. ClinVar contains an entry for this variant (Variation ID: 1525596). An algorithm developed to predict the effect of missense changes on protein structure and function (PolyPhen-2) suggests that this variant is likely to be disruptive. In summary, the available evidence is currently insufficient to determine the role of this variant in disease. Therefore, it has been classified as a Variant of Uncertain Significance.